The following is an entry in ClinVar:

ClinVar aggregate classification (germline): Benign/Likely benign. Review status: criteria provided, multiple submitters, no conflicts (2 of 4 stars). 4 submissions from 4 submitters: Benign (1); Likely benign (3). Last evaluated 2026-02-02.

Allele frequency attached by ClinVar (database versions not stated): 1000 Genomes Project 30x 0.00094; 1000 Genomes Project 0.00100; gnomAD 0.00272 and 0.00277; TOPMed 0.00289; ESP Exome Variant Server 0.00315; gnomAD exomes 0.00330; ExAC 0.00357.
gnomAD v4.1: 7,029 of 1,614,134 alleles (0.44%); highest among the groups gnomAD compares: South Asian, 0.59%; 32 homozygotes.

Submissions (4):

Labcorp Genetics (formerly Invitae), Labcorp
Classification: Benign. Last evaluated: 2026-02-02. Review status: criteria provided, single submitter. Criteria: Invitae Variant Classification Sherloc (09022015). Collection method: clinical testing. Allele origin: germline.

CeGaT Center for Human Genetics Tuebingen
Classification: Likely benign. Last evaluated: 2024-12-01. Review status: criteria provided, single submitter. Criteria: CeGaT Center For Human Genetics Tuebingen Variant Classification Criteria Version 2. Collection method: clinical testing. Allele origin: germline. Affected: yes. Observed: 2 variant alleles.
Comment: TUBB1: BP4, BP7, BS2

Blueprint Genetics
Classification: Likely benign. Last evaluated: 2024-11-19. Review status: criteria provided, single submitter. Criteria: ACMG Guidelines, 2015. Collection method: clinical testing. Allele origin: germline.

Mayo Clinic Laboratories, Mayo Clinic
Classification: Likely benign. Last evaluated: 2024-05-13. Review status: criteria provided, single submitter. Criteria: ACMG Guidelines, 2015. Collection method: clinical testing. Allele origin: germline. Observed: 6 variant alleles.
Comment: BS1, BS2_supporting, BP4, BP7

Literature cited by the submitters: PubMed 32892537 (cited by Mayo Clinic Laboratories, Mayo Clinic).

NM_030773.4(TUBB1):c.366C>T (p.His122=)

Gene: TUBB1 (tubulin beta 1 class VI; plus strand). Cytogenetic location: 20q13.32.
Variant type: single nucleotide variant.
Coding change: c.366C>T on transcript NM_030773.4 (MANE Select); coding-DNA position 366, C replaced by T.
Protein change: p.His122=; no amino-acid change (histidine 122 retained).
Molecular consequence: synonymous variant.
Genome position (GRCh38, 1-based): chr20:59,023,793, C>T. VCF-style: chr20-59023793-C-T. GRCh37 (hg19) VCF-style: chr20-57598848-C-T.
Other names: p.His122=.
Identifiers: ClinVar variation 770469 (VCV000770469.25), dbSNP rs34793043, ClinGen allele CA9928491.